The following is an entry in ClinVar:

NM_024548.4(CEP97):c.2557G>A (p.Asp853Asn)

Gene: CEP97 (centrosomal protein 97; plus strand). Cytogenetic location: 3q12.3.
Variant type: single nucleotide variant.
Coding change: c.2557G>A on transcript NM_024548.4 (MANE Select); coding-DNA position 2557, G replaced by A.
Protein change: p.Asp853Asn; replaces aspartic acid 853 with asparagine.
Molecular consequence: missense variant.
Genome position (GRCh38, 1-based): chr3:101,765,510, G>A. VCF-style: chr3-101765510-G-A. GRCh37 (hg19) VCF-style: chr3-101484354-G-A.
Other names: c.2380G>A, p.Asp794Asn (NM_001303401.2); c.2455G>A, p.Asp819Asn (NM_001410784.1); c.2278G>A, p.Asp760Asn (NM_001410785.1); short protein forms D819N, D760N, D794N, D853N.
Identifiers: ClinVar variation 3715664 (VCV003715664.2).

ClinVar aggregate classification (germline): Uncertain significance (1 of 4 stars; one submission).

Submission:

Labcorp Genetics (formerly Invitae), Labcorp
Classification: Uncertain significance. Last evaluated: 2024-04-29. Review status: criteria provided, single submitter. Criteria: Invitae Variant Classification Sherloc (09022015). Collection method: clinical testing. Allele origin: germline.
Comment: This sequence change replaces aspartic acid, which is acidic and polar, with asparagine, which is neutral and polar, at codon 853 of the CEP97 protein (p.Asp853Asn). This variant is present in population databases (rs751020382, gnomAD 0.009%). This variant has not been reported in the literature in individuals affected with CEP97-related conditions. Algorithms developed to predict the effect of missense changes on protein structure and function output the following: SIFT: "Not Available"; PolyPhen-2: "Benign"; Align-GVGD: "Not Available". The asparagine amino acid residue is found in multiple mammalian species, which suggests that this missense change does not adversely affect protein function. In summary, the available evidence is currently insufficient to determine the role of this variant in disease. Therefore, it has been classified as a Variant of Uncertain Significance.